The following is an entry in ClinVar:

ClinVar aggregate classification (germline): Uncertain significance (1 of 4 stars; one submission).

Conditions:
Renal cell carcinoma. Identifiers: Orphanet 217071, MedGen C0007134, MeSH D002292, MONDO:0005086, HP:0005584.

Allele frequency attached by ClinVar (database versions not stated): gnomAD exomes below 0.00001.
gnomAD v4.1: 2 of 1,614,028 alleles (0.00012%); highest among the groups gnomAD compares: Non-Finnish European, 0.00017%; no homozygotes.

Submission:

Labcorp Genetics (formerly Invitae), Labcorp
Classification: Uncertain significance for Renal cell carcinoma. Last evaluated: 2024-03-05. Review status: criteria provided, single submitter. Criteria: Invitae Variant Classification Sherloc (09022015). Collection method: clinical testing. Allele origin: germline.
Comment: This sequence change replaces valine, which is neutral and non-polar, with alanine, which is neutral and non-polar, at codon 568 of the MET protein (p.Val568Ala). This variant is not present in population databases (gnomAD no frequency). This variant has not been reported in the literature in individuals affected with MET-related conditions. An algorithm developed to predict the effect of missense changes on protein structure and function (PolyPhen-2) suggests that this variant is likely to be tolerated. In summary, the available evidence is currently insufficient to determine the role of this variant in disease. Therefore, it has been classified as a Variant of Uncertain Significance.

NM_000245.4(MET):c.1703T>C (p.Val568Ala)

Gene: MET (MET proto-oncogene, receptor tyrosine kinase; plus strand). Cytogenetic location: 7q31.2.
Variant type: single nucleotide variant.
Coding change: c.1703T>C on transcript NM_000245.4 (MANE Select); coding-DNA position 1703, T replaced by C.
Protein change: p.Val568Ala; replaces valine 568 with alanine.
Molecular consequence: missense variant.
Genome position (GRCh38, 1-based): chr7:116,755,356, T>C. VCF-style: chr7-116755356-T-C. GRCh37 (hg19) VCF-style: chr7-116395410-T-C.
Other names: c.1703T>C, p.Val568Ala (NM_001127500.3, NM_001324401.3); c.413T>C, p.Val138Ala (NM_001324402.2); short protein forms V568A, V138A.
Identifiers: ClinVar variation 2778037 (VCV002778037.3), dbSNP rs2116908533, ClinGen allele CA368977610.